The following is an entry in ClinVar:

ClinVar aggregate classification (germline): Conflicting classifications of pathogenicity. Review status: criteria provided, conflicting classifications (1 of 4 stars). 2 submissions from 2 submitters: Pathogenic (1); Uncertain significance (1). Last evaluated 2025-11-23.

Conditions:
Hereditary pancreatitis (PCTT). Also called: Hereditary chronic pancreatitis; PRSS1-Related Hereditary Pancreatitis. Identifiers: Orphanet 676, MedGen C0238339, MONDO:0008185, OMIM 167800.

Allele frequency attached by ClinVar (database versions not stated): gnomAD exomes below 0.00001.

Submissions (2):

Labcorp Genetics (formerly Invitae), Labcorp
Classification: Uncertain significance for Hereditary pancreatitis. Last evaluated: 2025-11-23. Review status: criteria provided, single submitter. Criteria: Invitae Variant Classification Sherloc (09022015). Collection method: clinical testing. Allele origin: germline.
Comment: This sequence change creates a premature translational stop signal (p.Gln44Argfs*20) in the CTRC gene. It is expected to result in an absent or disrupted protein product. However, the current clinical and genetic evidence is not sufficient to establish whether loss-of-function variants in CTRC cause disease. This variant is present in population databases (no rsID available, gnomAD 0.006%). This variant has not been reported in the literature in individuals affected with CTRC-related conditions. ClinVar contains an entry for this variant (Variation ID: 1421306). In summary, the available evidence is currently insufficient to determine the role of this variant in disease. Therefore, it has been classified as a Variant of Uncertain Significance.

Ambry Genetics
Classification: Pathogenic for Hereditary pancreatitis. Last evaluated: 2020-12-22. Review status: criteria provided, single submitter. Criteria: Ambry Variant Classification Scheme 2023. Collection method: clinical testing. Allele origin: germline.
Comment: The c.130delC pathogenic mutation, located in coding exon 2 of the CTRC gene, results from a deletion of one nucleotide at nucleotide position 130, causing a translational frameshift with a predicted alternate stop codon (p.Q44Rfs*20). This alteration is expected to result in loss of function by premature protein truncation or nonsense-mediated mRNA decay. As such, this alteration is interpreted as a disease-causing mutation.

NM_007272.3(CTRC):c.130del (p.Gln44fs)

Gene: CTRC (chymotrypsin C; plus strand). Cytogenetic location: 1p36.21.
Variant type: Deletion.
Coding change: c.130del on transcript NM_007272.3 (MANE Select); coding-DNA position 130, one base deleted (C; older notation c.130delC).
Protein change: p.Gln44fs; shifts the reading frame from glutamine 44.
Molecular consequence: frameshift variant.
Genome position (GRCh38, 1-based): chr1:15,440,389, C deleted. VCF-style (leftmost placement, unchanged base first): chr1-15440388-GC-G. GRCh37 (hg19) VCF-style: chr1-15766884-GC-G.
Other names: short protein forms Q44fs.
Identifiers: ClinVar variation 1421306 (VCV001421306.8), dbSNP rs1344551908, ClinGen allele CA521278876.